The following is an entry in ClinVar:

ClinVar aggregate classification (germline): Uncertain significance (1 of 4 stars; one submission).

Conditions:
NRP1-related disorder. Also called: NRP1-related condition.

Submission:

PreventionGenetics, part of Exact Sciences
Classification: Uncertain significance for NRP1-related condition. Last evaluated: 2025-02-19. Review status: criteria provided, single submitter. Criteria: ACMG Guidelines, 2015. Collection method: clinical testing. Allele origin: germline.
Comment: The NRP1 c.607_609delinsAGA variant is predicted to result in an in-frame deletion and insertion. To our knowledge, this variant has not been reported in the literature or in a large population database (gnomAD), indicating this variant is rare. At this time, the clinical significance of this variant is uncertain due to the absence of conclusive functional and genetic evidence.

NM_003873.7(NRP1):c.607_609delinsAGA (p.Gly203Arg)

Gene: NRP1 (neuropilin 1; minus strand). Cytogenetic location: 10p11.22.
Variant type: Indel.
Coding change: c.607_609delinsAGA on transcript NM_003873.7 (MANE Select); coding-DNA positions 607 to 609, GGG replaced by AGA.
Protein change: p.Gly203Arg; replaces glycine 203 with arginine.
Molecular consequence: missense variant. On other transcripts: non-coding transcript variant (1).
Genome position (GRCh38, 1-based): chr10:33,263,695-33,263,697, CCC replaced by TCT on the plus strand (GGG replaced by AGA on the coding strand, the reverse complement: NRP1 is on the minus strand). VCF-style: chr10-33263695-CCC-TCT. GRCh37 (hg19) VCF-style: chr10-33552623-CCC-TCT.
Other names: c.607_609delinsAGA, p.Gly203Arg (NM_001024628.3, NM_001024629.3, NM_001244972.2 and 2 more transcripts); short protein forms G203R.
Identifiers: ClinVar variation 4987231 (VCV004987231.1).
Genomic context (GRCh38, chr10:33,263,695, plus strand): 5'-GTCATTCTTACCATCAGGGAATCCATCCCAGATTTCTAGCCGGTCGTAGCGACAGAACAT[CCC>TCT]CCCTGGAGGATTTGAGTCAGGCTCCAGGTCAAAGCTTTCAAATTCCAGGATAATCTCTGA-3'
Protein context (NP_003864.5, residues 193-213): DLEPDSNPPG[Gly203Arg]MFCRYDRLEI